The following is an entry in ClinVar:

ClinVar aggregate classification (germline): Uncertain significance (1 of 4 stars; one submission).

Allele frequency attached by ClinVar (database versions not stated): TOPMed below 0.00001; gnomAD 0.00001.
gnomAD v4.1: 1 of 1,613,978 alleles (0.000062%); highest among the groups gnomAD compares: African/African-American, 0.0013%; no homozygotes.

Submission:

Labcorp Genetics (formerly Invitae), Labcorp
Classification: Uncertain significance. Last evaluated: 2022-07-06. Review status: criteria provided, single submitter. Criteria: Invitae Variant Classification Sherloc (09022015). Collection method: clinical testing. Allele origin: germline.
Comment: ClinVar contains an entry for this variant (Variation ID: 1472507). This variant has not been reported in the literature in individuals affected with RGR-related conditions. This variant is not present in population databases (gnomAD no frequency). This sequence change replaces alanine, which is neutral and non-polar, with threonine, which is neutral and polar, at codon 128 of the RGR protein (p.Ala128Thr). Algorithms developed to predict the effect of missense changes on protein structure and function are either unavailable or do not agree on the potential impact of this missense change (SIFT: "Tolerated"; PolyPhen-2: "Not Available"; Align-GVGD: "Class C0"). In summary, the available evidence is currently insufficient to determine the role of this variant in disease. Therefore, it has been classified as a Variant of Uncertain Significance.

NM_001012720.2(RGR):c.382G>A (p.Ala128Thr)

Gene: RGR (retinal G protein coupled receptor; plus strand). Cytogenetic location: 10q23.1.
Variant type: single nucleotide variant.
Coding change: c.382G>A on transcript NM_001012720.2 (MANE Select); coding-DNA position 382, G replaced by A.
Protein change: p.Ala128Thr; replaces alanine 128 with threonine.
Molecular consequence: missense variant.
Genome position (GRCh38, 1-based): chr10:84,252,880, G>A. VCF-style: chr10-84252880-G-A. GRCh37 (hg19) VCF-style: chr10-86012636-G-A.
Other names: c.382G>A, p.Ala128Thr (NM_001012722.2); c.394G>A, p.Ala132Thr (NM_002921.4); short protein forms A132T, A128T.
Identifiers: ClinVar variation 1472507 (VCV001472507.8), dbSNP rs1046323422, ClinGen allele CA210402000.